The following is an entry in ClinVar:

NM_000051.4(ATM):c.2751C>T (p.Ser917=)

Gene: ATM (ATM serine/threonine kinase; plus strand). Cytogenetic location: 11q22.3.
Variant type: single nucleotide variant.
Coding change: c.2751C>T on transcript NM_000051.4 (MANE Select); coding-DNA position 2751, C replaced by T.
Protein change: p.Ser917=; no amino-acid change (serine 917 retained).
Molecular consequence: synonymous variant.
Genome position (GRCh38, 1-based): chr11:108,268,522, C>T. VCF-style: chr11-108268522-C-T. GRCh37 (hg19) VCF-style: chr11-108139249-C-T.
Other names: c.2751C>T, p.Ser917= (NM_001351834.2).
Identifiers: ClinVar variation 453432 (VCV000453432.17), dbSNP rs876659611, ClinGen allele CA228407711.
Genomic context (GRCh38, chr11:108,268,522, plus strand): 5'-CTTAGACATGCTCAAGTTCTTGTGTTTGTGTGTAACTACTGCTCAGACCAATACTGTGTC[C>T]TTTAGGGCAGCTGATATTCGGAGGAAATTGTTAATGTTAATTGATTCTAGCACGCTAGAA-3'
Protein context (NP_000042.3, residues 907-927): CVTTAQTNTV[Ser917=]FRAADIRRKL

ClinVar aggregate classification (germline): Conflicting classifications of pathogenicity. Review status: criteria provided, conflicting classifications (1 of 4 stars). 4 submissions from 4 submitters: Uncertain significance (1); Benign (1); Likely benign (2). Last evaluated 2024-12-18.

Conditions:
Hereditary cancer-predisposing syndrome. Also called: Tumor predisposition; Hereditary Cancer Syndrome; Neoplastic Syndromes, Hereditary; Hereditary neoplastic syndrome. Identifiers: Orphanet 140162, MedGen C0027672, MeSH D009386, MONDO:0015356.
Familial cancer of breast. Also called: Hereditary breast cancer; hereditary breast carcinoma; BREAST CANCER, FAMILIAL. Identifiers: Orphanet 227535, MedGen C0346153, MONDO:0016419, OMIM 114480. Disease mechanism: loss of function.
Ataxia-telangiectasia syndrome (AT). Also called: Cerebello-oculocutaneous telangiectasia; Immunodeficiency with ataxia telangiectasia; Ataxia-telangiectasia, complementation group D; AT, COMPLEMENTATION GROUP C; Ataxia-telangiectasia, complementation group E; LOUIS-BAR SYNDROME. Identifiers: Orphanet 100, MedGen C0004135, MONDO:0008840, OMIM 208900.

Allele frequency attached by ClinVar (database versions not stated): TOPMed 0.00002; gnomAD 0.00003.
gnomAD v4.1: 3 of 1,613,920 alleles (0.00019%); highest among the groups gnomAD compares: African/African-American, 0.004%; no homozygotes.

Submissions (4):

Labcorp Genetics (formerly Invitae), Labcorp
Classification: Likely benign for Ataxia-telangiectasia syndrome. Last evaluated: 2024-12-18. Review status: criteria provided, single submitter. Criteria: Invitae Variant Classification Sherloc (09022015). Collection method: clinical testing. Allele origin: germline.

Ambry Genetics
Classification: Uncertain significance for Hereditary cancer-predisposing syndrome. Last evaluated: 2024-06-10. Review status: criteria provided, single submitter. Criteria: Ambry Variant Classification Scheme 2023. Collection method: clinical testing. Allele origin: germline.
Comment: The c.2751C>T variant (also known as p.S917S), located in coding exon 17 of the ATM gene, results from a C to T substitution at nucleotide position 2751. This nucleotide substitution does not change the serine at codon 917. This nucleotide position is poorly conserved in available vertebrate species. In silico splice site analysis predicts that this alteration will result in the creation or strengthening of a novel splice acceptor site. RNA studies have demonstrated that this alteration results in an incomplete splice defect; the clinical impact of this abnormal splicing is unknown at this time (Ambry internal data). Since supporting evidence is limited at this time, the clinical significance of this alteration remains unclear.

Myriad Genetics, Inc.
Classification: Benign for Familial cancer of breast. Last evaluated: 2024-05-10. Review status: criteria provided, single submitter. Criteria: Myriad Autosomal Dominant, Autosomal Recessive and X-Linked Classification Criteria (2023). Collection method: clinical testing. Allele origin: unknown.
Comment: This variant is considered benign. This variant is a silent/synonymous amino acid change and it is not expected to impact splicing.

Color Diagnostics, LLC DBA Color Health
Classification: Likely benign for Hereditary cancer-predisposing syndrome. Last evaluated: 2016-05-18. Review status: criteria provided, single submitter. Criteria: ACMG Guidelines, 2015. Collection method: clinical testing. Allele origin: germline.